The following is an entry in ClinVar:

ClinVar aggregate classification (germline): Benign (1 of 4 stars; one submission).

Conditions:
Qualitative or quantitative defects of beta-sarcoglycan. Identifiers: Orphanet 207063, MedGen C2930900, MONDO:0016142.

Allele frequency attached by ClinVar (database versions not stated): TOPMed 0.00114; gnomAD 0.00173 and 0.00202; 1000 Genomes Project 30x 0.00312; 1000 Genomes Project 0.00339.

Submission:

Illumina Laboratory Services, Illumina
Classification: Benign for Qualitative or quantitative defects of beta-sarcoglycan. Last evaluated: 2018-01-13. Review status: criteria provided, single submitter. Criteria: ICSL Variant Classification Criteria 13 December 2019. Collection method: clinical testing. Allele origin: germline.
Comment: This variant was observed in the ICSL laboratory as part of a predisposition screen in an ostensibly healthy population. It had not been previously curated by ICSL or reported in the Human Gene Mutation Database (HGMD: prior to June 1st, 2018), and was therefore a candidate for classification through an automated scoring system. Utilizing variant allele frequency, disease prevalence and penetrance estimates, and inheritance mode, an automated score was calculated to assess if this variant is too frequent to cause the disease. Based on the score and internal cut-off values, a variant classified as benign is not then subjected to further curation. The score for this variant resulted in a classification of benign for this disease.

NM_000232.5(SGCB):c.*1379T>C

Gene: SGCB (sarcoglycan beta; minus strand). Cytogenetic location: 4q12.
Variant type: single nucleotide variant.
Coding change: c.*1379T>C on transcript NM_000232.5 (MANE Select); 1379 bases downstream of the stop codon, T replaced by C.
Molecular consequence: 3 prime UTR variant.
Genome position (GRCh38, 1-based): chr4:52,022,578, A>G on the plus strand (T>C on the coding strand, the complement: SGCB is on the minus strand). VCF-style: chr4-52022578-A-G. GRCh37 (hg19) VCF-style: chr4-52888744-A-G.
Identifiers: ClinVar variation 901529 (VCV000901529.4), dbSNP rs142057805, ClinGen allele CA96773374.
Genomic context (GRCh38, chr4:52,022,578, plus strand): 5'-GGGTTATAAATAATTACAATGGGATAGTAATATTAGGAGCAGAGATAAATTATTATCCTT[A>G]CCTAAAAATTATGTGTATTATTTCCTGCATTAGCACTCTTTAGTCCAGTGCTTCTGGACT-3'